The following is an entry in ClinVar:

NM_001364171.2(ODAD1):c.1542del (p.Pro514_Met515insTer)

Gene: ODAD1 (outer dynein arm docking complex subunit 1; minus strand). Cytogenetic location: 19q13.33.
Variant type: Deletion.
Coding change: c.1542del on transcript NM_001364171.2 (MANE Select); coding-DNA position 1542, one base deleted (C; older notation c.1542delC).
Protein change: p.Pro514_Met515insTer.
Molecular consequence: frameshift variant.
Genome position (GRCh38, 1-based): chr19:48,297,629, G deleted on the plus strand (C on the coding strand, the reverse complement: ODAD1 is on the minus strand); the first of 4 consecutive G bases (chr19:48,297,629-48,297,632); deleting any one gives the same sequence. VCF-style (leftmost placement, unchanged base first): chr19-48297628-TG-T. GRCh37 (hg19) VCF-style: chr19-48800885-TG-T.
Other names: c.1431del, p.Pro477_Met478insTer (NM_144577.4).
Identifiers: ClinVar variation 2112314 (VCV002112314.4), dbSNP rs2515925621, ClinGen allele CA2580097478.
Genomic context (GRCh38, chr19:48,297,628, plus strand): 5'-CCCCCGCAGGCCCCACTCTCACCAGCTTCTCCACTTGGCTCAGCAGCTCCTCCCTGCTCA[TG>T]GGGTAGTCATCGCTGGCCTCAAAACCCGGGGGGTCTTCTCTGGGGAGGGGAAGGAAAATT-3'

ClinVar aggregate classification (germline): Uncertain significance (1 of 4 stars; one submission).

Conditions:
Primary ciliary dyskinesia. Also called: Ciliary dyskinesia. Identifiers: Orphanet 244, MedGen C0008780, MONDO:0016575, HP:0012265.

Submission:

Labcorp Genetics (formerly Invitae), Labcorp
Classification: Uncertain significance for Primary ciliary dyskinesia. Last evaluated: 2022-03-15. Review status: criteria provided, single submitter. Criteria: Invitae Variant Classification Sherloc (09022015). Collection method: clinical testing. Allele origin: germline.
Comment: In summary, the available evidence is currently insufficient to determine the role of this variant in disease. Therefore, it has been classified as a Variant of Uncertain Significance. This variant has not been reported in the literature in individuals affected with CCDC114-related conditions. This variant is not present in population databases (gnomAD no frequency). This sequence change creates a premature translational stop signal (p.Met478*) in the CCDC114 gene. While this is not anticipated to result in nonsense mediated decay, it is expected to disrupt the last 193 amino acid(s) of the CCDC114 protein.